The following is an entry in ClinVar:

NM_012238.5(SIRT1):c.77C>T (p.Ser26Leu)

Genes: SIRT1 (sirtuin 1; plus strand), LOC107832851 (SIRT1 promoter region; plus strand). Cytogenetic location: 10q21.3.
Variant type: single nucleotide variant.
Coding change: c.77C>T on transcript NM_012238.5 (MANE Select); coding-DNA position 77, C replaced by T.
Protein change: p.Ser26Leu; replaces serine 26 with leucine.
Molecular consequence: missense variant.
Genome position (GRCh38, 1-based): chr10:67,884,798, C>T. VCF-style: chr10-67884798-C-T. GRCh37 (hg19) VCF-style: chr10-69644556-C-T.
Other names: short protein forms S26L.
Identifiers: ClinVar variation 2082562 (VCV002082562.4), dbSNP rs1489985293, ClinGen allele CA377035189.

ClinVar aggregate classification (germline): Uncertain significance (1 of 4 stars; one submission).

Allele frequency attached by ClinVar (database versions not stated): gnomAD 0.00001; TOPMed 0.00003.
gnomAD v4.1: 26 of 1,220,988 alleles (0.0021%); highest among the groups gnomAD compares: Middle Eastern, 0.032%; no homozygotes.

Submission:

Labcorp Genetics (formerly Invitae), Labcorp
Classification: Uncertain significance. Last evaluated: 2024-05-01. Review status: criteria provided, single submitter. Criteria: Invitae Variant Classification Sherloc (09022015). Collection method: clinical testing. Allele origin: germline.
Comment: This sequence change replaces serine, which is neutral and polar, with leucine, which is neutral and non-polar, at codon 26 of the SIRT1 protein (p.Ser26Leu). The frequency data for this variant in the population databases is considered unreliable, as metrics indicate insufficient coverage at this position in the gnomAD database. This variant has not been reported in the literature in individuals affected with SIRT1-related conditions. ClinVar contains an entry for this variant (Variation ID: 2082562). An algorithm developed to predict the effect of missense changes on protein structure and function (PolyPhen-2) suggests that this variant is likely to be tolerated. In summary, the available evidence is currently insufficient to determine the role of this variant in disease. Therefore, it has been classified as a Variant of Uncertain Significance.